The following is an entry in ClinVar:

ClinVar aggregate classification (germline): Pathogenic (1 of 4 stars; one submission).

Conditions:
Severe myoclonic epilepsy in infancy (DRVT). Also called: Dravet syndrome; Epileptic encephalopathy, early infantile, 6 (Dravet syndrome); SEVERE MYOCLONIC EPILEPSY OF INFANCY; DEVELOPMENTAL AND EPILEPTIC ENCEPHALOPATHY 6A; Severe Myoclonic Epilepsy in Infancy (SMEI). Identifiers: Orphanet 33069, MedGen C0751122, MONDO:0100135, OMIM 607208.

Submission:

Victorian Clinical Genetics Services, Murdoch Childrens Research Institute
Classification: Pathogenic for Severe myoclonic epilepsy in infancy. Last evaluated: 2021-05-06. Review status: criteria provided, single submitter. Criteria: ACMG Guidelines, 2015. Collection method: clinical testing. Allele origin: germline. Inheritance: Autosomal dominant inheritance. Affected: yes.
Comment: Based on the classification scheme VCGS_Germline_v1.3.4, this variant is classified as Pathogenic. Following criteria are met: 0103 - Loss of function and gain of function are known mechanisms of disease in this gene and are associated with SCN1A-related epilepsy (PMID: 28488083). (I) 0107 - This gene is associated with autosomal dominant disease. (I) 0201 - Variant is predicted to cause nonsense-mediated decay (NMD) and loss of protein (premature termination codon is located at least 54 nucleotides upstream of the final exon-exon junction). (SP) 0251 - This variant is heterozygous. (I) 0301 - Variant is absent from gnomAD (both v2 and v3). (SP) 0701 - Other NMD-predicted variants comparable to the one identified in this case have very strong previous evidence for pathogenicity. Several others have been reported in patients with SCN1A-related epilepsy (ClinVar). (SP) 0807 - This variant has no previous evidence of pathogenicity. (I) 0905 - No published segregation evidence has been identified for this variant. (I) 1007 - No published functional evidence has been identified for this variant. (I) 1208 - Inheritance information for this variant is not currently available in this individual. (I) Legend: (SP) - Supporting pathogenic, (I) - Information, (SB) - Supporting benign

Literature cited by the submitters: PubMed 28488083.

NM_001165963.4(SCN1A):c.3837T>G (p.Tyr1279Ter)

Genes: SCN1A (sodium voltage-gated channel alpha subunit 1; minus strand), LOC102724058 (uncharacterized LOC102724058; plus strand). Cytogenetic location: 2q24.3.
Variant type: single nucleotide variant.
Coding change: c.3837T>G on transcript NM_001165963.4 (MANE Select); coding-DNA position 3837, T replaced by G.
Protein change: p.Tyr1279Ter; replaces tyrosine 1279 with a stop codon.
Molecular consequence: nonsense. On other transcripts: non-coding transcript variant (1).
Genome position (GRCh38, 1-based): chr2:166,012,151, A>C on the plus strand (T>G on the coding strand, the complement: SCN1A is on the minus strand). VCF-style: chr2-166012151-A-C. GRCh37 (hg19) VCF-style: chr2-166868661-A-C.
Other names: c.3753T>G, p.Tyr1251Ter (NM_001165964.3, NM_001353957.2, NM_001353958.2); c.3837T>G, p.Tyr1279Ter (NM_001202435.3, NM_001353948.2); c.3804T>G, p.Tyr1268Ter (NM_001353949.2, NM_001353950.2, NM_001353951.2 and 2 more transcripts); c.3801T>G, p.Tyr1267Ter (NM_001353954.2, NM_001353955.2); c.3750T>G, p.Tyr1250Ter (NM_001353960.2); c.1395T>G, p.Tyr465Ter (NM_001353961.2); short protein forms Y1250*, Y1251*, Y1267*, Y1268*, Y1279*, Y465*.
Identifiers: ClinVar variation 1805003 (VCV001805003.2), dbSNP rs1303080207, ClinGen allele CA349054076.